The following is an entry in ClinVar:

NM_173495.3(PTCHD1):c.1951G>A (p.Ala651Thr)

Gene: PTCHD1 (patched domain containing 1; plus strand). Cytogenetic location: Xp22.11.
Variant type: single nucleotide variant.
Coding change: c.1951G>A on transcript NM_173495.3 (MANE Select); coding-DNA position 1951, G replaced by A.
Protein change: p.Ala651Thr; replaces alanine 651 with threonine.
Molecular consequence: missense variant.
Genome position (GRCh38, 1-based): chrX:23,393,469, G>A. VCF-style: chrX-23393469-G-A. GRCh37 (hg19) VCF-style: chrX-23411586-G-A.
Other names: short protein forms A651T.
Identifiers: ClinVar variation 1802101 (VCV001802101.1), dbSNP rs2518767294, ClinGen allele CA412586814.

ClinVar aggregate classification (germline): Uncertain significance (1 of 4 stars; one submission).

Submission:

GeneDx
Classification: Uncertain significance. Last evaluated: 2022-11-23. Review status: criteria provided, single submitter. Criteria: GeneDx Variant Classification Process June 2021. Collection method: clinical testing. Allele origin: germline. Affected: yes.
Comment: Not observed at significant frequency in large population cohorts (gnomAD); In silico analysis supports that this missense variant does not alter protein structure/function; Has not been previously published as pathogenic or benign to our knowledge